The following is an entry in ClinVar:

NM_002292.4(LAMB2):c.76+10C>T

Gene: LAMB2 (laminin subunit beta 2; minus strand). Cytogenetic location: 3p21.31.
Variant type: single nucleotide variant.
Coding change: c.76+10C>T on transcript NM_002292.4 (MANE Select); 10 bases into the intron after coding-DNA position 76, C replaced by T.
Molecular consequence: intron variant.
Genome position (GRCh38, 1-based): chr3:49,132,782, G>A on the plus strand (C>T on the coding strand, the complement: LAMB2 is on the minus strand). VCF-style: chr3-49132782-G-A. GRCh37 (hg19) VCF-style: chr3-49170215-G-A.
Identifiers: ClinVar variation 775007 (VCV000775007.16), dbSNP rs370554848, ClinGen allele CA2395067.

ClinVar aggregate classification (germline): Conflicting classifications of pathogenicity. Review status: criteria provided, conflicting classifications (1 of 4 stars). 5 submissions from 4 submitters: Uncertain significance (2); Likely benign (2). 1 of the submissions does not count toward it. Last evaluated 2025-02-27.

Conditions:
LAMB2-related disorder. Also called: LAMB2-related condition.
LAMB2-related infantile-onset nephrotic syndrome. Also called: NEPHROTIC SYNDROME, TYPE 5, WITHOUT OCULAR ABNORMALITIES; NEPHROTIC SYNDROME, TYPE 5, WITH OCULAR ABNORMALITIES; Nephrotic Syndrome, type 5. Identifiers: Orphanet 306507, MedGen C3280113, MONDO:0013621, OMIM 614199.
Pierson syndrome. Also called: MICROCORIA-CONGENITAL NEPHROTIC SYNDROME. Identifiers: Orphanet 2670, MedGen C1836876, MONDO:0012184, OMIM 609049.

Allele frequency attached by ClinVar (database versions not stated): gnomAD 0.00003; ESP Exome Variant Server 0.00008; TOPMed 0.00014.
gnomAD v4.1: 427 of 1,613,898 alleles (0.026%); highest among the groups gnomAD compares: Non-Finnish European, 0.036%; no homozygotes.

Submissions (5):

Labcorp Genetics (formerly Invitae), Labcorp
Classification: Likely benign for LAMB2-related infantile-onset nephrotic syndrome; Pierson syndrome. Last evaluated: 2025-02-27. Review status: criteria provided, single submitter. Criteria: Invitae Variant Classification Sherloc (09022015). Collection method: clinical testing. Allele origin: germline.

Blueprint Genetics
Classification: Likely benign. Last evaluated: 2024-07-15. Review status: criteria provided, single submitter. Criteria: ACMG Guidelines, 2015. Collection method: clinical testing. Allele origin: germline.

Illumina Laboratory Services, Illumina
Classification: Uncertain significance for LAMB2-related infantile-onset nephrotic syndrome. Last evaluated: 2018-01-13. Review status: criteria provided, single submitter. Criteria: ICSL Variant Classification Criteria 13 December 2019. Collection method: clinical testing. Allele origin: germline.

Illumina Laboratory Services, Illumina
Classification: Uncertain significance for Pierson syndrome. Last evaluated: 2018-01-13. Review status: criteria provided, single submitter. Criteria: ICSL Variant Classification Criteria 13 December 2019. Collection method: clinical testing. Allele origin: germline.

PreventionGenetics, part of Exact Sciences
Classification: Likely benign for LAMB2-related condition. Last evaluated: 2021-10-05. Review status: no assertion criteria provided. Collection method: clinical testing. Allele origin: germline. Not counted in ClinVar's aggregate classification.
Comment: This variant is classified as likely benign based on ACMG/AMP sequence variant interpretation guidelines (Richards et al. 2015 PMID: 25741868, with internal and published modifications).